The following is an entry in ClinVar:

ClinVar aggregate classification (germline): Pathogenic/Likely pathogenic. Review status: criteria provided, multiple submitters, no conflicts (2 of 4 stars). 3 submissions from 3 submitters: Pathogenic (2); Likely pathogenic (1). Last evaluated 2025-09-15.

Conditions:
FRRS1L-related disorder. Also called: FRRS1L-related condition.
Developmental and epileptic encephalopathy, 37 (DEE37). Also called: Epileptic encephalopathy, early infantile, 37. Identifiers: MedGen C4310770, MONDO:0014859, OMIM 616981.

Allele frequency attached by ClinVar (database versions not stated): TOPMed below 0.00001.

Submissions (3):

First Genomix Gene Laboratory, Genetic Diagnostics Department
Classification: Pathogenic for Developmental and epileptic encephalopathy, 37. Last evaluated: 2025-09-15. Review status: criteria provided, single submitter. Criteria: ACMG Guidelines, 2015. Collection method: clinical testing. Allele origin: germline. Inheritance: Autosomal recessive inheritance. Affected: no. Observed: 1 variant allele.

Labcorp Genetics (formerly Invitae), Labcorp
Classification: Pathogenic for Developmental and epileptic encephalopathy, 37. Last evaluated: 2025-02-25. Review status: criteria provided, single submitter. Criteria: Invitae Variant Classification Sherloc (09022015). Collection method: clinical testing. Allele origin: germline.
Comment: This sequence change creates a premature translational stop signal (p.Arg292*) in the FRRS1L gene. While this is not anticipated to result in nonsense mediated decay, it is expected to disrupt the last 53 amino acid(s) of the FRRS1L protein. This variant is not present in population databases (gnomAD no frequency). This variant has not been reported in the literature in individuals affected with FRRS1L-related conditions. ClinVar contains an entry for this variant (Variation ID: 476309). Algorithms developed to predict the effect of sequence changes on RNA splicing suggest that this variant may disrupt the consensus splice site. This variant disrupts a region of the FRRS1L protein in which other variant(s) (p.Gln321*) have been determined to be pathogenic (PMID: 27236917, 27239025). This suggests that this is a clinically significant region of the protein, and that variants that disrupt it are likely to be disease-causing. For these reasons, this variant has been classified as Pathogenic.

PreventionGenetics, part of Exact Sciences
Classification: Likely pathogenic for FRRS1L-related condition. Last evaluated: 2024-11-15. Review status: criteria provided, single submitter. Criteria: ACMG Guidelines, 2015. Collection method: clinical testing. Allele origin: germline.
Comment: The FRRS1L c.874C>T variant is predicted to result in premature protein termination (p.Arg292*). This variant has been reported in an individual with epilepsy; however, few details were provided, and it is unclear if a second FRRS1L variant was detected (Table S2, Truty et al. 2019. PubMed ID: 31440721). It is absent in a large population database, indicating it is rare. Although this variant occurs in the final exon of the gene, a downstream nonsense variant (c.961C>T) has been reported in multiple individuals with epileptic-dyskinetic encephalopathy (Madeo et al. 2016. PubMed ID: 27236917). This variant is interpreted as likely pathogenic.

Literature cited by the submitters: PubMed 27236917 (cited by Labcorp Genetics (formerly Invitae), Labcorp); PubMed 27239025 (cited by Labcorp Genetics (formerly Invitae), Labcorp).

NM_014334.4(FRRS1L):c.721C>T (p.Arg241Ter)

Gene: FRRS1L (ferric chelate reductase 1 like; minus strand). Cytogenetic location: 9q31.3.
Variant type: single nucleotide variant.
Coding change: c.721C>T on transcript NM_014334.4 (MANE Select); coding-DNA position 721, C replaced by T.
Protein change: p.Arg241Ter; replaces arginine 241 with a stop codon.
Molecular consequence: nonsense.
Genome position (GRCh38, 1-based): chr9:109,137,616, G>A on the plus strand (C>T on the coding strand, the complement: FRRS1L is on the minus strand). VCF-style: chr9-109137616-G-A. GRCh37 (hg19) VCF-style: chr9-111899896-G-A.
Other names: c.874C>T (NM_014334.3); short protein forms R241*.
Identifiers: ClinVar variation 476309 (VCV000476309.11), dbSNP rs1054228594, ClinGen allele CA197560374.
Genomic context (GRCh38, chr9:109,137,616, plus strand): 5'-CTTCATACTTGTAAATACTGACAACACGCTCTGAAGCCGGCGGTGAGTCTATATCATGTC[G>A]AGTGATAGAGCCTTTAAGAAAAAAAGAGAAGAGCAGGGGCAATTGAAAAAAGAACAGATT-3'